The following is an entry in ClinVar:

ClinVar aggregate classification (germline): Pathogenic/Likely pathogenic. Review status: criteria provided, multiple submitters, no conflicts (2 of 4 stars). 2 submissions from 2 submitters: Pathogenic (1); Likely pathogenic (1). Last evaluated 2022-11-10.

Conditions:
Hereditary retinoblastoma. Identifiers: Orphanet 357027, MedGen C0751483, MONDO:0018160.
Retinoblastoma (RB1). Also called: RETINOBLASTOMA, SOMATIC. Identifiers: Orphanet 790, MedGen C0035335, MeSH D012175, MONDO:0008380, OMIM 180200, HP:0009919. Disease mechanism: loss of function. Inheritance: Both sporadic and heritable forms are tested..

Submissions (2):

Institute for Genomic Medicine (IGM) Clinical Laboratory, Nationwide Children's Hospital
Classification: Likely pathogenic for Hereditary retinoblastoma. Last evaluated: 2022-11-10. Review status: criteria provided, single submitter. Criteria: ACMG Guidelines, 2015. Collection method: clinical testing. Allele origin: germline.
Comment: This variant is predicted to result in loss of function through nonsense-mediated decay of the encoded transcript or premature truncation of the encoded protein in a gene in which loss of function is a known mechanism of disease (ACMG/AMP: PVS1; PMIDs:8651278, 22963398). This variant is absent from or present at an exceedingly low frequency in gnomAD, a large-scale control population database (ACMG/AMP: PM2).

Labcorp Genetics (formerly Invitae), Labcorp
Classification: Pathogenic for Retinoblastoma. Last evaluated: 2022-10-27. Review status: criteria provided, single submitter. Criteria: Invitae Variant Classification Sherloc (09022015). Collection method: clinical testing. Allele origin: germline.
Comment: This variant is not present in population databases (gnomAD no frequency). This sequence change creates a premature translational stop signal (p.Asp730Valfs*15) in the RB1 gene. It is expected to result in an absent or disrupted protein product. Loss-of-function variants in RB1 are known to be pathogenic (PMID: 17096365). This variant has not been reported in the literature in individuals affected with RB1-related conditions. For these reasons, this variant has been classified as Pathogenic.

Literature cited by the submitters: PubMed 8651278 (cited by Institute for Genomic Medicine (IGM) Clinical Laboratory, Nationwide Children's Hospital); PubMed 22963398 (cited by Institute for Genomic Medicine (IGM) Clinical Laboratory, Nationwide Children's Hospital); PubMed 17096365 (cited by Labcorp Genetics (formerly Invitae), Labcorp).

NM_000321.3(RB1):c.2188_2189insTT (p.Asp730fs)

Gene: RB1 (RB transcriptional corepressor 1; plus strand). Cytogenetic location: 13q14.2.
Variant type: Insertion.
Coding change: c.2188_2189insTT on transcript NM_000321.3 (MANE Select); coding-DNA positions 2188 to 2189, TT inserted.
Protein change: p.Asp730fs; shifts the reading frame from aspartic acid 730.
Molecular consequence: frameshift variant.
Genome position: GRCh38 VCF-style: chr13-48463812-G-GTT. GRCh37 (hg19) VCF-style: chr13-49037948-G-GTT.
Other names: c.2188_2189insTT, p.Asp730fs (NM_001407165.1); short protein forms D730fs.
Identifiers: ClinVar variation 2810198 (VCV002810198.4), dbSNP rs2542373753, ClinGen allele CA2739277617.